The following is an entry in ClinVar:

ClinVar aggregate classification (germline): Uncertain significance (1 of 4 stars; one submission).

gnomAD v4.1: 2 of 1,613,952 alleles (0.00012%); highest among the groups gnomAD compares: Non-Finnish European, 0.00017%; no homozygotes.

Submission:

GeneDx
Classification: Uncertain significance. Last evaluated: 2020-02-12. Review status: criteria provided, single submitter. Criteria: GeneDx Variant Classification Process June 2021. Collection method: clinical testing. Allele origin: germline. Affected: yes.
Comment: Not observed in large population cohorts (Lek et al., 2016); Missense variants in this gene are often considered pathogenic (Stenson et al., 2014); In silico analysis supports that this missense variant has a deleterious effect on protein structure/function; This variant is associated with the following publications: (PMID: 29655203)

NM_001165963.4(SCN1A):c.5743G>A (p.Glu1915Lys)

Genes: SCN1A (sodium voltage-gated channel alpha subunit 1; minus strand), LOC102724058 (uncharacterized LOC102724058; plus strand). Cytogenetic location: 2q24.3.
Variant type: single nucleotide variant.
Coding change: c.5743G>A on transcript NM_001165963.4 (MANE Select); coding-DNA position 5743, G replaced by A.
Protein change: p.Glu1915Lys; replaces glutamic acid 1915 with lysine.
Molecular consequence: missense variant. On other transcripts: non-coding transcript variant (1).
Genome position (GRCh38, 1-based): chr2:165,991,532, C>T on the plus strand (G>A on the coding strand, the complement: SCN1A is on the minus strand). VCF-style: chr2-165991532-C-T. GRCh37 (hg19) VCF-style: chr2-166848042-C-T.
Other names: p.E1915K:GAG>AAG; c.5659G>A, p.Glu1887Lys (NM_001165964.3, NM_001353957.2, NM_001353958.2); c.5743G>A, p.Glu1915Lys (NM_001202435.3, NM_001353948.2); c.5710G>A, p.Glu1904Lys (NM_001353949.2, NM_001353950.2, NM_001353951.2 and 2 more transcripts); c.5707G>A, p.Glu1903Lys (NM_001353954.2, NM_001353955.2); c.5656G>A, p.Glu1886Lys (NM_001353960.2); c.3301G>A, p.Glu1101Lys (NM_001353961.2); short protein forms E1904K, E1915K, E1101K, E1886K, E1887K, E1903K.
Identifiers: ClinVar variation 206877 (VCV000206877.3), dbSNP rs796053045, ClinGen allele CA317653.
Genomic context (GRCh38, chr2:165,991,532, plus strand): 5'-CAGTTCGCTTTAAAAGGTGGCGTCTGTAAGCACGCTGAATAATGACAGCAGATACTTCCT[C>T]TTGTTTTCGTTTTAAAGTAGTAGTGATTGGCTGATAGGAGACCTTGGAAGGATTGGAAGC-3'
Protein context (NP_001159435.1, residues 1905-1925): PITTTLKRKQ[Glu1915Lys]EVSAVIIQRA